The following is an entry in ClinVar:

NM_000051.4(ATM):c.3987_3993dup (p.Ile1332fs)

Gene: ATM (ATM serine/threonine kinase; plus strand). Cytogenetic location: 11q22.3.
Variant type: Duplication.
Coding change: c.3987_3993dup on transcript NM_000051.4 (MANE Select); coding-DNA positions 3987 to 3993, 7 bases duplicated (AAAACAG; older notation c.3987_3993dupAAAACAG).
Protein change: p.Ile1332fs; shifts the reading frame from isoleucine 1332.
Molecular consequence: frameshift variant.
Genome position (GRCh38, 1-based): chr11:108,284,467-108,284,473, AAAACAG duplicated; duplicating any 7 consecutive bases within chr11:108,284,466-108,284,473 gives the same sequence; the c. name uses the placement nearest the transcript's 3' end. VCF-style (leftmost placement, unchanged base first): chr11-108284465-G-GGAAAACA. GRCh37 (hg19) VCF-style: chr11-108155192-G-GGAAAACA.
Other names: c.3987_3993dup, p.Ile1332fs (NM_001351834.2); c.3987_3993dupAAAACAG (NM_000051.3); short protein forms I1332fs.
Identifiers: ClinVar variation 4618561 (VCV004618561.1).

ClinVar aggregate classification (germline): Pathogenic (1 of 4 stars; one submission).

Conditions:
Hereditary cancer-predisposing syndrome. Also called: Neoplastic Syndromes, Hereditary; Tumor predisposition; Hereditary Cancer Syndrome; Hereditary neoplastic syndrome. Identifiers: Orphanet 140162, MedGen C0027672, MeSH D009386, MONDO:0015356.

Submission:

Ambry Genetics
Classification: Pathogenic for Hereditary cancer-predisposing syndrome. Last evaluated: 2025-12-12. Review status: criteria provided, single submitter. Criteria: Ambry Variant Classification Scheme 2023. Collection method: clinical testing. Allele origin: germline.
Comment: The c.3987_3993dupAAAACAG pathogenic mutation, located in coding exon 25 of the ATM gene, results from a duplication of AAAACAG at nucleotide position 3987, causing a translational frameshift with a predicted alternate stop codon (p.I1332Kfs*4). This variant is considered to be rare based on population cohorts in the Genome Aggregation Database (gnomAD). This alteration is expected to result in loss of function by premature protein truncation or nonsense-mediated mRNA decay. As such, this alteration is interpreted as a disease-causing mutation.